The following is an entry in ClinVar:

ClinVar aggregate classification (germline): Uncertain significance. Review status: criteria provided, multiple submitters, no conflicts (2 of 4 stars). 2 submissions from 2 submitters: Uncertain significance (2). Last evaluated 2025-10-19.

Allele frequency attached by ClinVar (database versions not stated): gnomAD exomes below 0.00001 and 0.00001; TOPMed below 0.00001; ExAC 0.00001; gnomAD 0.00001; ESP Exome Variant Server 0.00008.
gnomAD v4.1: 6 of 1,614,064 alleles (0.00037%); highest among the groups gnomAD compares: Non-Finnish European, 0.00042%; no homozygotes.

Submissions (2):

Labcorp Genetics (formerly Invitae), Labcorp
Classification: Uncertain significance. Last evaluated: 2025-10-19. Review status: criteria provided, single submitter. Criteria: Invitae Variant Classification Sherloc (09022015). Collection method: clinical testing. Allele origin: germline.
Comment: This sequence change replaces valine, which is neutral and non-polar, with alanine, which is neutral and non-polar, at codon 174 of the GALNT12 protein (p.Val174Ala). This variant is present in population databases (rs138795909, gnomAD 0.002%). This variant has not been reported in the literature in individuals affected with GALNT12-related conditions. ClinVar contains an entry for this variant (Variation ID: 825561). Invitae Evidence Modeling of protein sequence and biophysical properties (such as structural, functional, and spatial information, amino acid conservation, physicochemical variation, residue mobility, and thermodynamic stability) indicates that this missense variant is not expected to disrupt GALNT12 protein function with a negative predictive value of 80%. In summary, the available evidence is currently insufficient to determine the role of this variant in disease. Therefore, it has been classified as a Variant of Uncertain Significance.

Ambry Genetics
Classification: Uncertain significance. Last evaluated: 2025-09-19. Review status: criteria provided, single submitter. Criteria: Ambry Variant Classification Scheme 2023. Collection method: clinical testing. Allele origin: germline.
Comment: The p.V174A variant (also known as c.521T>C), located in coding exon 2 of the GALNT12 gene, results from a T to C substitution at nucleotide position 521. The valine at codon 174 is replaced by alanine, an amino acid with similar properties. This amino acid position is highly conserved in available vertebrate species. In addition, this alteration is predicted to be deleterious by in silico analysis. Since supporting evidence is limited at this time, the clinical significance of this alteration remains unclear.

NM_024642.5(GALNT12):c.521T>C (p.Val174Ala)

Gene: GALNT12 (polypeptide N-acetylgalactosaminyltransferase 12; plus strand). Cytogenetic location: 9q22.33.
Variant type: single nucleotide variant.
Coding change: c.521T>C on transcript NM_024642.5 (MANE Select); coding-DNA position 521, T replaced by C.
Protein change: p.Val174Ala; replaces valine 174 with alanine.
Molecular consequence: missense variant.
Genome position (GRCh38, 1-based): chr9:98,823,405, T>C. VCF-style: chr9-98823405-T-C. GRCh37 (hg19) VCF-style: chr9-101585687-T-C.
Other names: short protein forms V174A.
Identifiers: ClinVar variation 825561 (VCV000825561.14), dbSNP rs138795909, ClinGen allele CA5153959.